The following is an entry in ClinVar:

NM_144991.3(TSPEAR):c.1819G>A (p.Asp607Asn)

Gene: TSPEAR (thrombospondin type laminin G domain and EAR repeats; minus strand). Cytogenetic location: 21q22.3.
Variant type: single nucleotide variant.
Coding change: c.1819G>A on transcript NM_144991.3 (MANE Select); coding-DNA position 1819, G replaced by A.
Protein change: p.Asp607Asn; replaces aspartic acid 607 with asparagine.
Molecular consequence: missense variant.
Genome position (GRCh38, 1-based): chr21:44,504,817, C>T on the plus strand (G>A on the coding strand, the complement: TSPEAR is on the minus strand). VCF-style: chr21-44504817-C-T. GRCh37 (hg19) VCF-style: chr21-45924700-C-T.
Other names: c.1615G>A, p.Asp539Asn (NM_001272037.2); short protein forms D539N, D607N.
Identifiers: ClinVar variation 1686675 (VCV001686675.8), dbSNP rs587622341, ClinGen allele CA10056320.

ClinVar aggregate classification (germline): Uncertain significance. Review status: criteria provided, multiple submitters, no conflicts (2 of 4 stars). 4 submissions from 4 submitters: Uncertain significance (4). Last evaluated 2024-12-09.

Conditions:
Inborn genetic diseases. Identifiers: MedGen C0950123, MeSH D030342.

Allele frequency attached by ClinVar (database versions not stated): TOPMed 0.00001; ExAC 0.00003; gnomAD 0.00004; 1000 Genomes Project 30x 0.00016; 1000 Genomes Project 0.00020.
gnomAD v4.1: 22 of 1,613,804 alleles (0.0014%); highest among the groups gnomAD compares: East Asian, 0.0067%; no homozygotes.

Submissions (4):

Ambry Genetics
Classification: Uncertain significance for Inborn genetic diseases. Last evaluated: 2024-12-09. Review status: criteria provided, single submitter. Criteria: Ambry Variant Classification Scheme 2023. Collection method: clinical testing. Allele origin: germline.

Women's Health and Genetics/Laboratory Corporation of America, LabCorp
Classification: Uncertain significance. Last evaluated: 2022-11-01. Review status: criteria provided, single submitter. Criteria: LabCorp Variant Classification Summary - May 2015. Collection method: clinical testing. Allele origin: germline.
Comment: Variant summary: C21orf29 (TSPEAR) c.1819G>A (p.Asp607Asn) results in a conservative amino acid change in the encoded protein sequence. Three of five in-silico tools predict a benign effect of the variant on protein function. The variant allele was found at a frequency of 2.8e-05 in 251434 control chromosomes (gnomAD). The available data on variant occurrences in the general population are insufficient to allow any conclusion about variant significance. To our knowledge, no occurrence of c.1819G>A in individuals affected with Ectodermal Dysplasia or other C21orf29-related conditions and no experimental evidence demonstrating its impact on protein function have been reported. One clinical diagnostic laboratory has submitted a clinical-significance assessment for this variant to ClinVar after 2014 and classified the variant as uncertain significance. Based on the evidence outlined above, the variant was classified as uncertain significance.

GeneDx
Classification: Uncertain significance. Last evaluated: 2022-05-20. Review status: criteria provided, single submitter. Criteria: GeneDx Variant Classification Process June 2021. Collection method: clinical testing. Allele origin: germline. Affected: yes.
Comment: In silico analysis supports that this missense variant does not alter protein structure/function; Has not been previously published as pathogenic or benign to our knowledge

Labcorp Genetics (formerly Invitae), Labcorp
Classification: Uncertain significance. Last evaluated: 2022-05-15. Review status: criteria provided, single submitter. Criteria: Invitae Variant Classification Sherloc (09022015). Collection method: clinical testing. Allele origin: germline.
Comment: In summary, the available evidence is currently insufficient to determine the role of this variant in disease. Therefore, it has been classified as a Variant of Uncertain Significance. Algorithms developed to predict the effect of missense changes on protein structure and function are either unavailable or do not agree on the potential impact of this missense change (SIFT: "Deleterious"; PolyPhen-2: "Probably Damaging"; Align-GVGD: "Class C0"). This variant has not been reported in the literature in individuals affected with TSPEAR-related conditions. This variant is present in population databases (rs587622341, gnomAD 0.01%). This sequence change replaces aspartic acid, which is acidic and polar, with asparagine, which is neutral and polar, at codon 607 of the TSPEAR protein (p.Asp607Asn).